The following is an entry in ClinVar:

ClinVar aggregate classification (germline): Uncertain significance. Review status: criteria provided, multiple submitters, no conflicts (2 of 4 stars). 2 submissions from 2 submitters: Uncertain significance (2). Last evaluated 2022-05-29.

Conditions:
Hereditary cancer-predisposing syndrome. Also called: Hereditary Cancer Syndrome; Neoplastic Syndromes, Hereditary; Tumor predisposition; Hereditary neoplastic syndrome. Identifiers: Orphanet 140162, MedGen C0027672, MeSH D009386, MONDO:0015356.
Neurofibromatosis, type 1 (NF1). Also called: Neurofibromatosis, type I; VON RECKLINGHAUSEN DISEASE; NEUROFIBROMATOSIS, TYPE I, SOMATIC; Peripheral type neurofibromatosis. Identifiers: Orphanet 636, MedGen C0027831, MONDO:0018975, OMIM 162200. Disease mechanism: loss of function.

Submissions (2):

Labcorp Genetics (formerly Invitae), Labcorp
Classification: Uncertain significance for Neurofibromatosis, type 1. Last evaluated: 2022-05-29. Review status: criteria provided, single submitter. Criteria: Invitae Variant Classification Sherloc (09022015). Collection method: clinical testing. Allele origin: germline.
Comment: This sequence change replaces proline, which is neutral and non-polar, with serine, which is neutral and polar, at codon 1527 of the NF1 protein (p.Pro1527Ser). This variant is not present in population databases (gnomAD no frequency). This variant has not been reported in the literature in individuals affected with NF1-related conditions. ClinVar contains an entry for this variant (Variation ID: 230115). Advanced modeling of protein sequence and biophysical properties (such as structural, functional, and spatial information, amino acid conservation, physicochemical variation, residue mobility, and thermodynamic stability) performed at Invitae indicates that this missense variant is expected to disrupt NF1 protein function. In summary, the available evidence is currently insufficient to determine the role of this variant in disease. Therefore, it has been classified as a Variant of Uncertain Significance.

Ambry Genetics
Classification: Uncertain significance for Hereditary cancer-predisposing syndrome. Last evaluated: 2015-01-19. Review status: criteria provided, single submitter. Criteria: Ambry Autosomal Dominant and X-Linked criteria (10/2015). Collection method: clinical testing. Allele origin: germline. Observed: 1 variant allele.
Comment: The p.P1548S variant (also known as c.4642C>T), located in coding exon 35 of the NF1 gene, results from a C to T substitution at nucleotide position 4642. The proline at codon 1548 is replaced by serine, an amino acid with some similar properties. This variant was not reported in population based cohorts in the following databases: Database of Single Nucleotide Polymorphisms (dbSNP), NHLBI Exome Sequencing Project (ESP), and 1000 Genomes Project. In the ESP, this variant was not observed in 6503 samples (13006 alleles) with coverage at this position. To date, this alteration has been detected with an allele frequency of approximately 0.003% (greater than 30,000 alleles tested) in our clinical cohort.This amino acid position is highly conserved in available vertebrate species. In addition, the in silico prediction for this alteration is inconclusive.Since supporting evidence is limited at this time, the clinical significance of p.P1548Sremains unclear.

NM_001042492.3(NF1):c.4642C>T (p.Pro1548Ser)

Gene: NF1 (neurofibromin 1; plus strand). Cytogenetic location: 17q11.2.
Variant type: single nucleotide variant.
Coding change: c.4642C>T on transcript NM_001042492.3 (MANE Select); coding-DNA position 4642, C replaced by T.
Protein change: p.Pro1548Ser; replaces proline 1548 with serine.
Molecular consequence: missense variant.
Genome position (GRCh38, 1-based): chr17:31,261,775, C>T. VCF-style: chr17-31261775-C-T. GRCh37 (hg19) VCF-style: chr17-29588793-C-T.
Other names: c.4579C>T, p.Pro1527Ser (NM_000267.4); short protein forms P1527S, P1548S.
Identifiers: ClinVar variation 230115 (VCV000230115.8), dbSNP rs876658396, ClinGen allele CA10580323.
Genomic context (GRCh38, chr17:31,261,775, plus strand): 5'-CATAAAGCTGTTGGAAGACGACCTTTTGATAAGATGGCAACACTTCTTGCATACCTGGGT[C>T]CTCCAGAGCACAAACCTGTGGCAGATACACACTGGTCCAGCCTTAACCTTACCAGTTCAA-3'
Protein context (NP_001035957.1, residues 1538-1558): KMATLLAYLG[Pro1548Ser]PEHKPVADTH